The following is an entry in ClinVar:

NM_030957.4(ADAMTS10):c.2810A>G (p.Glu937Gly)

Gene: ADAMTS10 (ADAM metallopeptidase with thrombospondin type 1 motif 10; minus strand). Cytogenetic location: 19p13.2.
Variant type: single nucleotide variant.
Coding change: c.2810A>G on transcript NM_030957.4 (MANE Select); coding-DNA position 2810, A replaced by G.
Protein change: p.Glu937Gly; replaces glutamic acid 937 with glycine.
Molecular consequence: missense variant.
Genome position (GRCh38, 1-based): chr19:8,585,511, T>C on the plus strand (A>G on the coding strand, the complement: ADAMTS10 is on the minus strand). VCF-style: chr19-8585511-T-C. GRCh37 (hg19) VCF-style: chr19-8650395-T-C.
Other names: c.1271A>G, p.Glu424Gly (NM_001282352.2); c.2810A>G (NM_030957.2); short protein forms E937G, E424G.
Identifiers: ClinVar variation 1416534 (VCV001416534.6), dbSNP rs782603993, ClinGen allele CA9160008.

ClinVar aggregate classification (germline): Uncertain significance. Review status: criteria provided, multiple submitters, no conflicts (2 of 4 stars). 2 submissions from 2 submitters: Uncertain significance (2). Last evaluated 2023-12-27.

Conditions:
Inborn genetic diseases. Identifiers: MedGen C0950123, MeSH D030342.

Allele frequency attached by ClinVar (database versions not stated): gnomAD exomes 0.00002 and 0.00009; gnomAD 0.00006; TOPMed 0.00006; ExAC 0.00007.
gnomAD v4.1: 134 of 1,550,948 alleles (0.0086%); highest among the groups gnomAD compares: Non-Finnish European, 0.012%; no homozygotes.

Submissions (2):

Ambry Genetics
Classification: Uncertain significance for Inborn genetic diseases. Last evaluated: 2023-12-27. Review status: criteria provided, single submitter. Criteria: Ambry Variant Classification Scheme 2023. Collection method: clinical testing. Allele origin: germline.

Labcorp Genetics (formerly Invitae), Labcorp
Classification: Uncertain significance. Last evaluated: 2022-07-01. Review status: criteria provided, single submitter. Criteria: Invitae Variant Classification Sherloc (09022015). Collection method: clinical testing. Allele origin: germline.
Comment: This sequence change replaces glutamic acid, which is acidic and polar, with glycine, which is neutral and non-polar, at codon 937 of the ADAMTS10 protein (p.Glu937Gly). This variant is present in population databases (rs782603993, gnomAD 0.006%). This variant has not been reported in the literature in individuals affected with ADAMTS10-related conditions. ClinVar contains an entry for this variant (Variation ID: 1416534). Algorithms developed to predict the effect of missense changes on protein structure and function are either unavailable or do not agree on the potential impact of this missense change (SIFT: "Deleterious"; PolyPhen-2: "Benign"; Align-GVGD: "Class C0"). In summary, the available evidence is currently insufficient to determine the role of this variant in disease. Therefore, it has been classified as a Variant of Uncertain Significance.